The following is an entry in ClinVar:

ClinVar aggregate classification (germline): Uncertain significance (1 of 4 stars; one submission).

Conditions:
Mucopolysaccharidosis, MPS-III-D (MPS3D). Also called: MPS IIID (Sanfilippo Syndrome Type D); MUCOPOLYSACCHARIDOSIS, TYPE IIID; N-ACETYLGLUCOSAMINE-6-SULFATASE DEFICIENCY; SANFILIPPO SYNDROME D; MPS III D; Mucopoly-saccharidosis type 3D. Identifiers: Orphanet 581, Orphanet 79272, MedGen C0086650, MONDO:0009658, OMIM 252940.

Submission:

Labcorp Genetics (formerly Invitae), Labcorp
Classification: Uncertain significance for Mucopolysaccharidosis, MPS-III-D. Last evaluated: 2021-08-27. Review status: criteria provided, single submitter. Criteria: Invitae Variant Classification Sherloc (09022015). Collection method: clinical testing. Allele origin: germline.
Comment: This sequence change replaces aspartic acid with valine at codon 202 of the GNS protein (p.Asp202Val). The aspartic acid residue is highly conserved and there is a large physicochemical difference between aspartic acid and valine. This variant is not present in population databases (ExAC no frequency). This variant has not been reported in the literature in individuals affected with GNS-related conditions. Algorithms developed to predict the effect of missense changes on protein structure and function are either unavailable or do not agree on the potential impact of this missense change (SIFT: "Deleterious"; PolyPhen-2: "Possibly Damaging"; Align-GVGD: "Class C15"). In summary, the available evidence is currently insufficient to determine the role of this variant in disease. Therefore, it has been classified as a Variant of Uncertain Significance.

NM_002076.4(GNS):c.605A>T (p.Asp202Val)

Gene: GNS (glucosamine (N-acetyl)-6-sulfatase; minus strand). Cytogenetic location: 12q14.3.
Variant type: single nucleotide variant.
Coding change: c.605A>T on transcript NM_002076.4 (MANE Select); coding-DNA position 605, A replaced by T.
Protein change: p.Asp202Val; replaces aspartic acid 202 with valine.
Molecular consequence: missense variant.
Genome position (GRCh38, 1-based): chr12:64,744,828, T>A on the plus strand (A>T on the coding strand, the complement: GNS is on the minus strand). VCF-style: chr12-64744828-T-A. GRCh37 (hg19) VCF-style: chr12-65138608-T-A.
Other names: short protein forms D202V.
Identifiers: ClinVar variation 1023587 (VCV001023587.6), dbSNP rs1439386150, ClinGen allele CA385609452.